The following is an entry in ClinVar:

ClinVar aggregate classification (germline): Likely pathogenic (1 of 4 stars; one submission).

Conditions:
Congenital hyperammonemia, type I. Also called: Carbamoyl phosphate synthetase 1 deficiency; Hyperammonemia due to carbamoyl phosphate synthetase 1 deficiency; CPS 1 deficiency; Carbamyl phosphate synthetase (CPS) deficiency; CPS I DEFICIENCY; Carbamoyl-phosphate synthase I deficiency. Identifiers: Orphanet 147, MedGen C4082171, MONDO:0009376, OMIM 237300.

Submission:

Women's Health and Genetics/Laboratory Corporation of America, LabCorp
Classification: Likely pathogenic for Congenital hyperammonemia, type I. Last evaluated: 2022-11-07. Review status: criteria provided, single submitter. Criteria: LabCorp Variant Classification Summary - May 2015. Collection method: clinical testing. Allele origin: germline.
Comment: Variant summary: CPS1 c.675_676delTG (p.Cys225TrpfsX3) results in a premature termination codon, predicted to cause a truncation of the encoded protein or absence of the protein due to nonsense mediated decay, which are commonly known mechanisms for disease. Truncations downstream of this position have been classified as pathogenic by our laboratory. The variant was absent in 251116 control chromosomes. To our knowledge, no occurrence of c.675_676delTG in individuals affected with Carbamoylphosphate Synthetase I Deficiency and no experimental evidence demonstrating its impact on protein function have been reported. No clinical diagnostic laboratories have submitted clinical-significance assessments for this variant to ClinVar after 2014. Based on the evidence outlined above, the variant was classified as likely pathogenic.

NM_001875.5(CPS1):c.675_676del (p.Cys225fs)

Gene: CPS1 (carbamoyl-phosphate synthase 1; plus strand). Cytogenetic location: 2q34.
Variant type: Microsatellite.
Coding change: c.675_676del on transcript NM_001875.5 (MANE Select); coding-DNA positions 675 to 676, 2 bases deleted (TG; older notation c.675_676delTG).
Protein change: p.Cys225fs; shifts the reading frame from cysteine 225.
Molecular consequence: frameshift variant. On other transcripts: non-coding transcript variant (1).
Genome position (GRCh38, 1-based): chr2:210,588,111-210,588,112, TG deleted; deleting any 2 consecutive bases within chr2:210,588,109-210,588,112 gives the same sequence; the c. name uses the placement nearest the transcript's 3' end. VCF-style (leftmost placement, unchanged base first): chr2-210588108-CTG-C. GRCh37 (hg19) VCF-style: chr2-211452832-CTG-C.
Other names: c.675_676delTG (NM_001875.4); c.675_676del, p.Cys225fs (NM_001122633.3, NM_001369257.1); c.708_709del, p.Cys236fs (NM_001369256.1); c.673_674TG[1], p.Cys225Trpfs (NM_001875.4); short protein forms C225fs, C236fs.
Identifiers: ClinVar variation 1804735 (VCV001804735.1), dbSNP rs2469112664, ClinGen allele CA2580616665.